The following is an entry in ClinVar:

ClinVar aggregate classification (germline): Pathogenic (1 of 4 stars; one submission).

Submission:

GeneDx
Classification: Pathogenic. Last evaluated: 2024-03-19. Review status: criteria provided, single submitter. Criteria: GeneDx Variant Classification Process June 2021. Collection method: clinical testing. Allele origin: germline. Affected: yes.
Comment: Nonsense variant predicted to result in protein truncation or nonsense mediated decay in a gene for which loss of function is a known mechanism of disease; Not observed at significant frequency in large population cohorts (gnomAD); Has not been previously published as pathogenic or benign to our knowledge

NM_013275.6(ANKRD11):c.2573G>A (p.Trp858Ter)

Gene: ANKRD11 (ankyrin repeat domain containing 11; minus strand). Cytogenetic location: 16q24.3.
Variant type: single nucleotide variant.
Coding change: c.2573G>A on transcript NM_013275.6 (MANE Select); coding-DNA position 2573, G replaced by A.
Protein change: p.Trp858Ter; replaces tryptophan 858 with a stop codon.
Molecular consequence: nonsense.
Genome position (GRCh38, 1-based): chr16:89,283,969, C>T on the plus strand (G>A on the coding strand, the complement: ANKRD11 is on the minus strand). VCF-style: chr16-89283969-C-T. GRCh37 (hg19) VCF-style: chr16-89350377-C-T.
Other names: c.2573G>A, p.Trp858Ter (NM_001256182.2, NM_001256183.2); short protein forms W858*.
Identifiers: ClinVar variation 3342499 (VCV003342499.1).